The following is an entry in ClinVar:

NM_004260.4(RECQL4):c.1877A>G (p.Lys626Arg)

Gene: RECQL4 (RecQ like helicase 4; minus strand). Cytogenetic location: 8q24.3.
Variant type: single nucleotide variant.
Coding change: c.1877A>G on transcript NM_004260.4 (MANE Select); coding-DNA position 1877, A replaced by G.
Protein change: p.Lys626Arg; replaces lysine 626 with arginine.
Molecular consequence: missense variant.
Genome position (GRCh38, 1-based): chr8:144,514,190, T>C on the plus strand (A>G on the coding strand, the complement: RECQL4 is on the minus strand). VCF-style: chr8-144514190-T-C. GRCh37 (hg19) VCF-style: chr8-145739574-T-C.
Other names: short protein forms K626R.
Identifiers: ClinVar variation 853132 (VCV000853132.7), dbSNP rs778391731, ClinGen allele CA4948624.

ClinVar aggregate classification (germline): Conflicting classifications of pathogenicity. Review status: criteria provided, conflicting classifications (1 of 4 stars). 2 submissions from 2 submitters: Uncertain significance (1); Likely benign (1). Last evaluated 2025-12-29.

Conditions:
Inborn genetic diseases. Identifiers: MedGen C0950123, MeSH D030342.
Baller-Gerold syndrome (BGS). Also called: CRANIOSYNOSTOSIS WITH RADIAL DEFECTS. Identifiers: Orphanet 1225, MedGen C0265308, MONDO:0009039, OMIM 218600.

Allele frequency attached by ClinVar (database versions not stated): gnomAD exomes below 0.00001; ExAC 0.00001.
gnomAD v4.1: 2 of 1,612,098 alleles (0.00012%); highest among the groups gnomAD compares: Non-Finnish European, 0.000085%; no homozygotes.

Submissions (2):

Ambry Genetics
Classification: Likely benign for Inborn genetic diseases. Last evaluated: 2025-12-29. Review status: criteria provided, single submitter. Criteria: Ambry Variant Classification Scheme 2023. Collection method: clinical testing. Allele origin: germline.

Labcorp Genetics (formerly Invitae), Labcorp
Classification: Uncertain significance for Baller-Gerold syndrome. Last evaluated: 2022-07-26. Review status: criteria provided, single submitter. Criteria: Invitae Variant Classification Sherloc (09022015). Collection method: clinical testing. Allele origin: germline.
Comment: In summary, the available evidence is currently insufficient to determine the role of this variant in disease. Therefore, it has been classified as a Variant of Uncertain Significance. Algorithms developed to predict the effect of sequence changes on RNA splicing suggest that this variant may disrupt the consensus splice site. Algorithms developed to predict the effect of missense changes on protein structure and function output the following: SIFT: "Not Available"; PolyPhen-2: "Not Available"; Align-GVGD: "Not Available". The arginine amino acid residue is found in multiple mammalian species, which suggests that this missense change does not adversely affect protein function. ClinVar contains an entry for this variant (Variation ID: 853132). This variant has not been reported in the literature in individuals affected with RECQL4-related conditions. This variant is not present in population databases (gnomAD no frequency). This sequence change replaces lysine, which is basic and polar, with arginine, which is basic and polar, at codon 626 of the RECQL4 protein (p.Lys626Arg).